The following is an entry in ClinVar:

NM_000875.5(IGF1R):c.1025A>G (p.Asp342Gly)

Genes: IGF1R (insulin like growth factor 1 receptor; plus strand), LOC126862245 (P300/CBP strongly-dependent group 1 enhancer GRCh37_chr15:99439536-99440735; plus strand). Cytogenetic location: 15q26.3.
Variant type: single nucleotide variant.
Coding change: c.1025A>G on transcript NM_000875.5 (MANE Select); coding-DNA position 1025, A replaced by G.
Protein change: p.Asp342Gly; replaces aspartic acid 342 with glycine.
Molecular consequence: missense variant.
Genome position (GRCh38, 1-based): chr15:98,896,828, A>G. VCF-style: chr15-98896828-A-G. GRCh37 (hg19) VCF-style: chr15-99440057-A-G.
Other names: c.1025A>G, p.Asp342Gly (NM_001291858.2); short protein forms D342G.
Identifiers: ClinVar variation 1302375 (VCV001302375.2), dbSNP rs2151652470, ClinGen allele CA393671122.

ClinVar aggregate classification (germline): Uncertain significance (1 of 4 stars; one submission).

Submission:

GeneDx
Classification: Uncertain significance. Last evaluated: 2019-10-14. Review status: criteria provided, single submitter. Criteria: GeneDx Variant Classification Process June 2021. Collection method: clinical testing. Allele origin: germline. Affected: yes.
Comment: Not observed in large population cohorts (Lek et al., 2016); In silico analysis, which includes protein predictors and evolutionary conservation, supports a deleterious effect; Has not been previously published as pathogenic or benign to our knowledge